The following is an entry in ClinVar:

NM_002474.3(MYH11):c.1864+8C>T

Gene: MYH11 (myosin heavy chain 11; minus strand). Cytogenetic location: 16p13.11.
Variant type: single nucleotide variant.
Coding change: c.1864+8C>T on transcript NM_002474.3 (MANE Select); 8 bases into the intron after coding-DNA position 1864, C replaced by T.
Molecular consequence: intron variant.
Genome position (GRCh38, 1-based): chr16:15,753,386, G>A on the plus strand (C>T on the coding strand, the complement: MYH11 is on the minus strand). VCF-style: chr16-15753386-G-A. GRCh37 (hg19) VCF-style: chr16-15847243-G-A.
Other names: c.1864+8C>T (NM_022844.3); c.1885+8C>T (NM_001040114.2, NM_001040113.2).
Identifiers: ClinVar variation 928603 (VCV000928603.7), dbSNP rs1297078684, ClinGen allele CA621070593.

ClinVar aggregate classification (germline): Conflicting classifications of pathogenicity. Review status: criteria provided, conflicting classifications (1 of 4 stars). 3 submissions from 3 submitters: Uncertain significance (1); Likely benign (2). Last evaluated 2026-01-19.

Conditions:
Aortic aneurysm, familial thoracic 4 (AAT4). Also called: AORTIC ANEURYSM/AORTIC DISSECTION AND PATENT DUCTUS ARTERIOSUS. Identifiers: MedGen C1851504, MONDO:0007568, OMIM 132900.
Visceral myopathy 2. Identifiers: MedGen C5543466, MONDO:0859157, OMIM 619350.
Megacystis-microcolon-intestinal hypoperistalsis syndrome 2. Identifiers: MedGen C5543476, MONDO:0025708, OMIM 619351.

Allele frequency attached by ClinVar (database versions not stated): gnomAD 0.00001; gnomAD exomes 0.00001; TOPMed 0.00002.
gnomAD v4.1: 5 of 1,611,280 alleles (0.00031%); highest among the groups gnomAD compares: African/African-American, 0.0053%; no homozygotes.

Submissions (3):

Labcorp Genetics (formerly Invitae), Labcorp
Classification: Likely benign for Aortic aneurysm, familial thoracic 4. Last evaluated: 2026-01-19. Review status: criteria provided, single submitter. Criteria: Invitae Variant Classification Sherloc (09022015). Collection method: clinical testing. Allele origin: germline.

Women's Health and Genetics/Laboratory Corporation of America, LabCorp
Classification: Likely benign. Last evaluated: 2025-04-28. Review status: criteria provided, single submitter. Criteria: LabCorp Variant Classification Summary - May 2015. Collection method: clinical testing. Allele origin: germline.

Center for Genomics, Ann and Robert H. Lurie Children's Hospital of Chicago
Classification: Uncertain significance for Megacystis-microcolon-intestinal hypoperistalsis syndrome 2; Aortic aneurysm, familial thoracic 4; Visceral myopathy 2. Review status: criteria provided, single submitter. Criteria: ACMG Guidelines, 2015. Collection method: clinical testing. Allele origin: germline.
Comment: This variant has not been reported in the literature but is present in the Genome Aggregation Database (Highest MAF: 0.01% [2/16252]) and in ClinVar (Variation ID:928603). Although this variant occurs in the splice region, computational prediction tools do not suggest that it alters splicing. However, further studies are needed to understand its impact. In summary, data on this variant is insufficient for disease classification. Therefore, the clinical significance of this variant is uncertain.